The following is an entry in ClinVar:

ClinVar aggregate classification (germline): Uncertain significance. Review status: criteria provided, multiple submitters, no conflicts (2 of 4 stars). 2 submissions from 2 submitters: Uncertain significance (2). Last evaluated 2025-02-21.

Conditions:
Hereditary cancer-predisposing syndrome. Also called: Hereditary neoplastic syndrome; Neoplastic Syndromes, Hereditary; Tumor predisposition; Hereditary Cancer Syndrome. Identifiers: Orphanet 140162, MedGen C0027672, MeSH D009386, MONDO:0015356.
Birt-Hogg-Dube syndrome. Also called: Birt Hogg Dubé syndrome. Identifiers: Orphanet 122, MedGen C0346010, MONDO:0800444.

Submissions (2):

Ambry Genetics
Classification: Uncertain significance for Hereditary cancer-predisposing syndrome. Last evaluated: 2025-02-21. Review status: criteria provided, single submitter. Criteria: Ambry Variant Classification Scheme 2023. Collection method: clinical testing. Allele origin: germline.
Comment: The p.Y181F variant (also known as c.542A>T), located in coding exon 3 of the FLCN gene, results from an A to T substitution at nucleotide position 542. The tyrosine at codon 181 is replaced by phenylalanine, an amino acid with highly similar properties. This amino acid position is highly conserved in available vertebrate species. In addition, the in silico prediction for this alteration is inconclusive. Based on the available evidence, the clinical significance of this variant remains unclear.

Labcorp Genetics (formerly Invitae), Labcorp
Classification: Uncertain significance for Birt-Hogg-Dube syndrome. Last evaluated: 2020-05-10. Review status: criteria provided, single submitter. Criteria: Invitae Variant Classification Sherloc (09022015). Collection method: clinical testing. Allele origin: germline.
Comment: This variant has not been reported in the literature in individuals with FLCN-related conditions. This variant is not present in population databases (ExAC no frequency). This sequence change replaces tyrosine with phenylalanine at codon 181 of the FLCN protein (p.Tyr181Phe). The tyrosine residue is highly conserved and there is a small physicochemical difference between tyrosine and phenylalanine. Algorithms developed to predict the effect of missense changes on protein structure and function (SIFT, PolyPhen-2, Align-GVGD) all suggest that this variant is likely to be tolerated, but these predictions have not been confirmed by published functional studies and their clinical significance is uncertain. In summary, the available evidence is currently insufficient to determine the role of this variant in disease. Therefore, it has been classified as a Variant of Uncertain Significance.

NM_144997.7(FLCN):c.542A>T (p.Tyr181Phe)

Gene: FLCN (folliculin; minus strand). Cytogenetic location: 17p11.2.
Variant type: single nucleotide variant.
Coding change: c.542A>T on transcript NM_144997.7 (MANE Select); coding-DNA position 542, A replaced by T.
Protein change: p.Tyr181Phe; replaces tyrosine 181 with phenylalanine.
Molecular consequence: missense variant.
Genome position (GRCh38, 1-based): chr17:17,223,998, T>A on the plus strand (A>T on the coding strand, the complement: FLCN is on the minus strand). VCF-style: chr17-17223998-T-A. GRCh37 (hg19) VCF-style: chr17-17127312-T-A.
Other names: c.542A>T (NM_144997.5); c.596A>T, p.Tyr199Phe (NM_001353229.2); c.542A>T, p.Tyr181Phe (NM_001353230.2, NM_001353231.2, NM_144606.7); short protein forms Y181F, Y199F.
Identifiers: ClinVar variation 1046187 (VCV001046187.6), dbSNP rs1398715352, ClinGen allele CA398534324.